The following is an entry in ClinVar:

NM_002693.3(POLG):c.2421dup (p.Ile808fs)

Gene: POLG (DNA polymerase gamma, catalytic subunit; minus strand). Cytogenetic location: 15q26.1.
Variant type: Duplication.
Coding change: c.2421dup on transcript NM_002693.3 (MANE Select); coding-DNA position 2421, one base duplicated (T; older notation c.2421dupT).
Protein change: p.Ile808fs; shifts the reading frame from isoleucine 808.
Molecular consequence: frameshift variant.
Genome position (GRCh38, 1-based): chr15:89,322,747, A duplicated on the plus strand (T on the coding strand, the reverse complement: POLG is on the minus strand). VCF-style (leftmost placement, unchanged base first): chr15-89322746-T-TA. GRCh37 (hg19) VCF-style: chr15-89865977-T-TA.
Other names: c.2421dup, p.Ile808fs (NM_001126131.2); short protein forms I808fs.
Identifiers: ClinVar variation 4740243 (VCV004740243.2).

ClinVar aggregate classification (germline): Pathogenic. Review status: criteria provided, multiple submitters, no conflicts (2 of 4 stars). 2 submissions from 2 submitters: Pathogenic (2). Last evaluated 2025-12-23.

Conditions:
Progressive sclerosing poliodystrophy (MTDPS4A). Also called: Mitochondrial DNA depletion syndrome 4A (Alpers type); ALPERS PROGRESSIVE INFANTILE POLIODYSTROPHY; NEURONAL DEGENERATION OF CHILDHOOD WITH LIVER DISEASE, PROGRESSIVE; Alpers Syndrome; ALPERS DIFFUSE DEGENERATION OF CEREBRAL GRAY MATTER WITH HEPATIC CIRRHOSIS; Alpers-Huttenlocher Syndrome. Identifiers: Orphanet 726, MedGen C0205710, MONDO:0008758, OMIM 203700.
POLG-related disorder. Also called: POLG-related condition; POLG-Related Disorders; POLG-Related Spectrum Disorders. Identifiers: MedGen C4763519.

Submissions (2):

Labcorp Genetics (formerly Invitae), Labcorp
Classification: Pathogenic for Progressive sclerosing poliodystrophy. Last evaluated: 2025-12-23. Review status: criteria provided, single submitter. Criteria: Invitae Variant Classification Sherloc (09022015). Collection method: clinical testing. Allele origin: germline.
Comment: This sequence change creates a premature translational stop signal (p.Ile808Tyrfs*25) in the POLG gene. It is expected to result in an absent or disrupted protein product. Loss-of-function variants in POLG are known to be pathogenic (PMID: 18546365). This variant is not present in population databases (gnomAD no frequency). This variant has not been reported in the literature in individuals affected with POLG-related conditions. For these reasons, this variant has been classified as Pathogenic.

Myriad Genetics, Inc.
Classification: Pathogenic for POLG-related disorder. Last evaluated: 2025-06-20. Review status: criteria provided, single submitter. Criteria: Myriad Autosomal Dominant, Autosomal Recessive and X-Linked Classification Criteria (2023). Collection method: clinical testing. Allele origin: unknown.
Comment: NM_002693.2(POLG):c.2421dupT(I808Yfs*25) is expected to be pathogenic in the context of POLG-related disorders. This variant is predicted to lead to an abnormal or absent protein product due to the creation of a premature termination codon in POLG, a gene where loss-of-function variants are known to be pathogenic. Please note: this variant was assessed in the context of healthy population screening.

Literature cited by the submitters: PubMed 18546365 (cited by Labcorp Genetics (formerly Invitae), Labcorp).